The following is an entry in ClinVar:

ClinVar aggregate classification (germline): Uncertain significance (1 of 4 stars; one submission).

Conditions:
Developmental and epileptic encephalopathy. Identifiers: MedGen C5779964, MONDO:0100620.

Allele frequency attached by ClinVar (database versions not stated): gnomAD exomes below 0.00001 and 0.00001.
gnomAD v4.1: 7 of 1,614,058 alleles (0.00043%); highest among the groups gnomAD compares: Non-Finnish European, 0.00059%; no homozygotes.

Submission:

Labcorp Genetics (formerly Invitae), Labcorp
Classification: Uncertain significance for Early infantile epileptic encephalopathy with suppression bursts. Last evaluated: 2019-07-05. Review status: criteria provided, single submitter. Criteria: Invitae Variant Classification Sherloc (09022015). Collection method: clinical testing. Allele origin: germline.
Comment: This sequence change replaces aspartic acid with asparagine at codon 2381 of the SPTAN1 protein (p.Asp2381Asn). The aspartic acid residue is highly conserved and there is a small physicochemical difference between aspartic acid and asparagine. This variant is not present in population databases (ExAC no frequency). This variant has not been reported in the literature in individuals with SPTAN1-related conditions. Algorithms developed to predict the effect of missense changes on protein structure and function are either unavailable or do not agree on the potential impact of this missense change (SIFT: "Deleterious"; PolyPhen-2: "Benign"; Align-GVGD: "Class C15"). In summary, the available evidence is currently insufficient to determine the role of this variant in disease. Therefore, it has been classified as a Variant of Uncertain Significance.

NM_001130438.3(SPTAN1):c.7141G>A (p.Asp2381Asn)

Gene: SPTAN1 (spectrin alpha, non-erythrocytic 1; plus strand). Cytogenetic location: 9q34.11.
Variant type: single nucleotide variant.
Coding change: c.7141G>A on transcript NM_001130438.3 (MANE Select); coding-DNA position 7141, G replaced by A.
Protein change: p.Asp2381Asn; replaces aspartic acid 2381 with asparagine.
Molecular consequence: missense variant.
Genome position (GRCh38, 1-based): chr9:128,632,699, G>A. VCF-style: chr9-128632699-G-A. GRCh37 (hg19) VCF-style: chr9-131394978-G-A.
Other names: c.7066G>A, p.Asp2356Asn (NM_001195532.2); c.7204G>A, p.Asp2402Asn (NM_001363759.2); c.7081G>A, p.Asp2361Asn (NM_001363765.2, NM_001375314.2); c.7228G>A, p.Asp2410Asn (NM_001375310.1); c.7141G>A, p.Asp2381Asn (NM_001375311.2); c.7177G>A, p.Asp2393Asn (NM_001375312.2); c.7123G>A, p.Asp2375Asn (NM_001375313.1); c.7240G>A, p.Asp2414Asn (NM_001375318.1); and 1 more; short protein forms D2356N, D2361N, D2393N, D2410N, D2414N, D2375N, D2381N, D2376N.
Identifiers: ClinVar variation 944411 (VCV000944411.2), dbSNP rs1436043063, ClinGen allele CA375101154.
Genomic context (GRCh38, chr9:128,632,699, plus strand): 5'-GGCTATGACCTGCCCATGGTGGAGGAAGGGGAACCTGACCCTGAGTTCGAGGCAATCCTG[G>A]ACACGGTGGATCCGAACAGGTAAATTAATTAAGGCCAGGTGCTGTGAGCCTCTGCCCGGG-3'
Protein context (NP_001123910.1, residues 2371-2391): EPDPEFEAIL[Asp2381Asn]TVDPNRDGHV